The following is an entry in ClinVar:

NM_173651.4(FSIP2):c.5329A>G (p.Ile1777Val)

Genes: FSIP2 (fibrous sheath interacting protein 2; plus strand), FSIP2-AS1 (FSIP2 antisense RNA 1; minus strand). Cytogenetic location: 2q32.1.
Variant type: single nucleotide variant.
Coding change: c.5329A>G on transcript NM_173651.4 (MANE Select); coding-DNA position 5329, A replaced by G.
Protein change: p.Ile1777Val; replaces isoleucine 1777 with valine.
Molecular consequence: missense variant.
Genome position (GRCh38, 1-based): chr2:185,792,465, A>G. VCF-style: chr2-185792465-A-G. GRCh37 (hg19) VCF-style: chr2-186657192-A-G.
Other names: short protein forms I1777V.
Identifiers: ClinVar variation 2651744 (VCV002651744.24), dbSNP rs199853325, ClinGen allele CA2016699.

ClinVar aggregate classification (germline): Uncertain significance (1 of 4 stars; one submission).

Allele frequency attached by ClinVar (database versions not stated): 1000 Genomes Project 0.00020; ExAC 0.00042; 1000 Genomes Project 30x 0.00062; gnomAD 0.00137; TOPMed 0.00172; gnomAD exomes 0.00192.
gnomAD v4.1: 2,869 of 1,530,794 alleles (0.19%); highest among the groups gnomAD compares: Non-Finnish European, 0.23%; 3 homozygotes.

Submission:

CeGaT Center for Human Genetics Tuebingen
Classification: Uncertain significance. Last evaluated: 2022-06-01. Review status: criteria provided, single submitter. Criteria: CeGaT Center For Human Genetics Tuebingen Variant Classification Criteria Version 2. Collection method: clinical testing. Allele origin: germline. Affected: yes. Observed: 1 variant allele.
Comment: FSIP2: PP2, BP4